The following is an entry in ClinVar:

ClinVar aggregate classification (germline): Conflicting classifications of pathogenicity. Review status: criteria provided, conflicting classifications (1 of 4 stars). 2 submissions from 2 submitters: Uncertain significance (1); Likely benign (1). Last evaluated 2024-07-20.

Conditions:
Angioedema. Identifiers: MedGen C0002994, MeSH D000799, MONDO:0010481, HP:0100665.

Allele frequency attached by ClinVar (database versions not stated): gnomAD exomes 0.00001; TOPMed 0.00001.
gnomAD v4.1: 9 of 1,614,152 alleles (0.00056%); highest among the groups gnomAD compares: Non-Finnish European, 0.00076%; no homozygotes.

Submissions (2):

DNA-diagnostics Laboratory, Research Centre For Medical Genetics
Classification: Uncertain significance for Angioedema. Last evaluated: 2024-07-20. Review status: criteria provided, single submitter. Criteria: ACMG Guidelines, 2015. Collection method: research. Allele origin: germline. Inheritance: Sporadic. Affected: yes. Observed: 1 heterozygote.
Comment: The c.52-5C>T variant in SERPING1 meets ACMG/ClinGen SVI guidance criteria to be classified as variant of uncertain significance: PM2_Sup, BP4_Str

Labcorp Genetics (formerly Invitae), Labcorp
Classification: Likely benign. Last evaluated: 2023-04-12. Review status: criteria provided, single submitter. Criteria: Invitae Variant Classification Sherloc (09022015). Collection method: clinical testing. Allele origin: germline.

NM_000062.3(SERPING1):c.52-5C>T

Gene: SERPING1 (serpin family G member 1; plus strand). Cytogenetic location: 11q12.1.
Variant type: single nucleotide variant.
Coding change: c.52-5C>T on transcript NM_000062.3 (MANE Select); 5 bases into the intron before coding-DNA position 52, C replaced by T.
Molecular consequence: intron variant.
Genome position (GRCh38, 1-based): chr11:57,599,874, C>T. VCF-style: chr11-57599874-C-T. GRCh37 (hg19) VCF-style: chr11-57367347-C-T.
Other names: c.52-5C>T (NM_001032295.2).
Identifiers: ClinVar variation 3001332 (VCV003001332.5), dbSNP rs1026657804, ClinGen allele CA223053928.